The following is an entry in ClinVar:

NM_004733.4(SLC33A1):c.685A>G (p.Asn229Asp)

Gene: SLC33A1 (solute carrier family 33 member 1; minus strand). Cytogenetic location: 3q25.31.
Variant type: single nucleotide variant.
Coding change: c.685A>G on transcript NM_004733.4 (MANE Select); coding-DNA position 685, A replaced by G.
Protein change: p.Asn229Asp; replaces asparagine 229 with aspartic acid.
Molecular consequence: missense variant.
Genome position (GRCh38, 1-based): chr3:155,853,313, T>C on the plus strand (A>G on the coding strand, the complement: SLC33A1 is on the minus strand). VCF-style: chr3-155853313-T-C. GRCh37 (hg19) VCF-style: chr3-155571102-T-C.
Other names: c.685A>G, p.Asn229Asp (NM_001190992.2, NM_001363883.1); short protein forms N229D.
Identifiers: ClinVar variation 1434691 (VCV001434691.6), dbSNP rs755014645, ClinGen allele CA2677389.

ClinVar aggregate classification (germline): Uncertain significance (1 of 4 stars; one submission).

Conditions:
Spastic paraplegia. Identifiers: MedGen C0037772, HP:0001258.

Allele frequency attached by ClinVar (database versions not stated): ExAC 0.00001; gnomAD 0.00001; gnomAD exomes 0.00001; TOPMed 0.00001.
gnomAD v4.1: 4 of 1,613,938 alleles (0.00025%); highest among the groups gnomAD compares: African/African-American, 0.0053%; no homozygotes.

Submission:

Labcorp Genetics (formerly Invitae), Labcorp
Classification: Uncertain significance for Spastic paraplegia. Last evaluated: 2022-08-09. Review status: criteria provided, single submitter. Criteria: Invitae Variant Classification Sherloc (09022015). Collection method: clinical testing. Allele origin: germline.
Comment: In summary, the available evidence is currently insufficient to determine the role of this variant in disease. Therefore, it has been classified as a Variant of Uncertain Significance. Algorithms developed to predict the effect of missense changes on protein structure and function are either unavailable or do not agree on the potential impact of this missense change (SIFT: "Tolerated"; PolyPhen-2: "Probably Damaging"; Align-GVGD: "Class C0"). ClinVar contains an entry for this variant (Variation ID: 1434691). This variant has not been reported in the literature in individuals affected with SLC33A1-related conditions. This variant is present in population databases (rs755014645, gnomAD 0.02%). This sequence change replaces asparagine, which is neutral and polar, with aspartic acid, which is acidic and polar, at codon 229 of the SLC33A1 protein (p.Asn229Asp).